The following is an entry in ClinVar:

NM_001287491.2(TET3):c.4184C>T (p.Ser1395Phe)

Gene: TET3 (tet methylcytosine dioxygenase 3; plus strand). Cytogenetic location: 2p13.1.
Variant type: single nucleotide variant.
Coding change: c.4184C>T on transcript NM_001287491.2 (MANE Select); coding-DNA position 4184, C replaced by T.
Protein change: p.Ser1395Phe; replaces serine 1395 with phenylalanine.
Molecular consequence: missense variant.
Genome position (GRCh38, 1-based): chr2:74,100,972, C>T. VCF-style: chr2-74100972-C-T. GRCh37 (hg19) VCF-style: chr2-74328099-C-T.
Other names: c.3779C>T (NM_144993.1); c.3905C>T, p.Ser1302Phe (NM_001366022.1); short protein forms S1302F, S1395F.
Identifiers: ClinVar variation 986084 (VCV000986084.5), dbSNP rs762846019, ClinGen allele CA347319021.

ClinVar aggregate classification (germline): Uncertain significance. Review status: criteria provided, multiple submitters, no conflicts (2 of 4 stars). 2 submissions from 2 submitters: Uncertain significance (2). Last evaluated 2021-03-26.

Conditions:
Beck-Fahrner syndrome (BEFAHRS). Identifiers: Orphanet 684216, MedGen C5394097, MONDO:0032922, OMIM 618798.
Inborn genetic diseases. Identifiers: MedGen C0950123, MeSH D030342.

Allele frequency attached by ClinVar (database versions not stated): TOPMed below 0.00001.
gnomAD v4.1: 1 of 1,612,140 alleles (0.000062%); highest among the groups gnomAD compares: Non-Finnish European, 0.000085%; no homozygotes.

Submissions (2):

New York Genome Center
Classification: Uncertain significance for Beck-Fahrner syndrome. Last evaluated: 2021-03-26. Review status: criteria provided, single submitter. Criteria: NYGC Assertion Criteria 2020. Collection method: clinical testing. Allele origin: inherited. Observed: 1 heterozygote. Study: CSER-NYCKidSeq.

Ambry Genetics
Classification: Uncertain significance for Inborn genetic diseases. Last evaluated: 2020-11-13. Review status: criteria provided, single submitter. Criteria: Ambry Variant Classification Scheme 2023. Collection method: clinical testing. Allele origin: germline.
Comment: The c.3779C>T (p.S1260F) alteration is located in coding exon 9 of the TET3 gene. This alteration results from a C to T substitution at nucleotide position 3779, causing the serine (S) at amino acid position 1260 to be replaced by a phenylalanine (F). Based on data from the Genome Aggregation Database (gnomAD), the TET3 c.3779C>T alteration was not observed, with coverage at this position. The p.S1260 amino acid is not conserved in available vertebrate species. The p.S1260F alteration is predicted to be tolerated by in silico analysis. Based on insufficient or conflicting evidence, the clinical significance of this alteration remains unclear.